The following is an entry in ClinVar:

ClinVar aggregate classification (germline): Uncertain significance (1 of 4 stars; one submission).

Conditions:
Ataxia-telangiectasia syndrome (AT). Also called: ATAXIA-TELANGIECTASIA, FRESNO VARIANT; Ataxia-telangiectasia, complementation group E; Ataxia telangiectasia (A-T); Cerebello-oculocutaneous telangiectasia; Immunodeficiency with ataxia telangiectasia; LOUIS-BAR SYNDROME. Identifiers: Orphanet 100, MedGen C0004135, MONDO:0008840, OMIM 208900.

Submission:

Labcorp Genetics (formerly Invitae), Labcorp
Classification: Uncertain significance for Ataxia-telangiectasia syndrome. Last evaluated: 2023-07-22. Review status: criteria provided, single submitter. Criteria: Invitae Variant Classification Sherloc (09022015). Collection method: clinical testing. Allele origin: germline.
Comment: In summary, the available evidence is currently insufficient to determine the role of this variant in disease. Therefore, it has been classified as a Variant of Uncertain Significance. Advanced modeling of protein sequence and biophysical properties (such as structural, functional, and spatial information, amino acid conservation, physicochemical variation, residue mobility, and thermodynamic stability) performed at Invitae indicates that this missense variant is not expected to disrupt ATM protein function. ClinVar contains an entry for this variant (Variation ID: 652921). This variant has not been reported in the literature in individuals affected with ATM-related conditions. This variant is not present in population databases (gnomAD no frequency). This sequence change replaces glutamine, which is neutral and polar, with lysine, which is basic and polar, at codon 69 of the ATM protein (p.Gln69Lys).

NM_000051.4(ATM):c.205C>A (p.Gln69Lys)

Gene: ATM (ATM serine/threonine kinase; plus strand). Cytogenetic location: 11q22.3.
Variant type: single nucleotide variant.
Coding change: c.205C>A on transcript NM_000051.4 (MANE Select); coding-DNA position 205, C replaced by A.
Protein change: p.Gln69Lys; replaces glutamine 69 with lysine.
Molecular consequence: missense variant.
Genome position (GRCh38, 1-based): chr11:108,229,197, C>A. VCF-style: chr11-108229197-C-A. GRCh37 (hg19) VCF-style: chr11-108099924-C-A.
Other names: c.205C>A, p.Gln69Lys (NM_001351834.2, NM_001351835.2, NM_001351836.2); short protein forms Q69K.
Identifiers: ClinVar variation 652921 (VCV000652921.8), dbSNP rs876660631, ClinGen allele CA382521263.
Genomic context (GRCh38, chr11:108,229,197, plus strand): 5'-TATTCAACGAGTTTCTGAAATTGCATTTTGTTTTCTTGAAGATTTTTACAGAAATATATT[C>A]AGAAAGAAACAGAATGTCTGAGAATAGCAAAACCAAATGTATCAGCCTCAACACAAGCCT-3'
Protein context (NP_000042.3, residues 59-79): AVFRFLQKYI[Gln69Lys]KETECLRIAK